The following is an entry in ClinVar:

NM_001349278.2(ANKRD28):c.1564T>C (p.Leu522=)

Genes: ANKRD28 (ankyrin repeat domain 28; minus strand), BTD (biotinidase; plus strand). Cytogenetic location: 3p25.1.
Variant type: single nucleotide variant.
Coding change: c.1564T>C on transcript NM_001349278.2 (MANE Select); coding-DNA position 1564, T replaced by C.
Protein change: p.Leu522=; no amino-acid change (leucine 522 retained).
Molecular consequence: synonymous variant. On other transcripts: non-coding transcript variant (2), intron variant (3).
Genome position (GRCh38, 1-based): chr3:15,696,229, A>G on the plus strand (T>C on the coding strand, the complement: ANKRD28 is on the minus strand). VCF-style: chr3-15696229-A-G. GRCh37 (hg19) VCF-style: chr3-15737736-A-G.
Other names: c.1012T>C, p.Leu338= (NM_001195098.1, NM_001195099.2, NM_001349283.2); c.1573T>C, p.Leu525= (NM_001349277.2); c.1465T>C, p.Leu489= (NM_001349279.2); c.1306T>C, p.Leu436= (NM_001349280.1, NM_001349281.2, NM_001349282.2); c.1474T>C, p.Leu492= (NM_015199.4); c.1016-25541A>G (NM_001370752.1, NM_001407379.1); c.400-14170A>G (NM_001370753.1).
Identifiers: ClinVar variation 5041440 (VCV005041440.1).

ClinVar aggregate classification (germline): Likely benign (1 of 4 stars; one submission).

gnomAD v4.1: 14 of 1,581,920 alleles (0.00089%); highest among the groups gnomAD compares: Middle Eastern, 0.017%; no homozygotes.

Submission:

CeGaT Center for Human Genetics Tuebingen
Classification: Likely benign. Last evaluated: 2026-09-01. Review status: criteria provided, single submitter. Criteria: CeGaT Center For Human Genetics Tuebingen Variant Classification Criteria Version 2. Collection method: clinical testing. Allele origin: germline. Affected: yes. Observed: 1 variant allele.
Comment: ANKRD28: BP4, BP7